The following is an entry in ClinVar:

ClinVar aggregate classification (germline): Conflicting classifications of pathogenicity. Review status: criteria provided, conflicting classifications (1 of 4 stars). 3 submissions from 3 submitters: Uncertain significance (1); Likely benign (2). Last evaluated 2023-08-11.

Conditions:
Ciliopathy. Also called: Ciliopathies. Identifiers: Orphanet 363250, MedGen C4277690, MONDO:0005308, MeSH D000072661.

Allele frequency attached by ClinVar (database versions not stated): gnomAD exomes 0.00009 and 0.00042; gnomAD 0.00014 and 0.00018; TOPMed 0.00019; ExAC 0.00054; 1000 Genomes Project 0.00080; 1000 Genomes Project 30x 0.00094.
gnomAD v4.1: 164 of 1,600,522 alleles (0.01%); highest among the groups gnomAD compares: East Asian, 0.3%; 1 homozygote.

Submissions (3):

Blueprint Genetics
Classification: Likely benign. Last evaluated: 2023-08-11. Review status: criteria provided, single submitter. Criteria: ACMG Guidelines, 2015. Collection method: clinical testing. Allele origin: germline.

Department of Pathology and Laboratory Medicine, Sinai Health System
Classification: Likely benign for ciliopathy. Last evaluated: 2021-07-30. Review status: criteria provided, single submitter. Criteria: ACMG Guidelines, 2015. Collection method: research. Allele origin: germline.

GeneDx
Classification: Uncertain significance. Last evaluated: 2017-05-31. Review status: criteria provided, single submitter. Criteria: GeneDx Variant Classification (06012015). Collection method: clinical testing. Allele origin: germline. Affected: yes.
Comment: The A161T variant in the B9D1 gene has not been reported previously as a pathogenic variant, nor as a benign variant, to our knowledge. The A161T variant is observed in 31/4064 (0.8%) alleles from individuals of East Asian background, in the ExAC dataset (Lek et al., 2016). The A161T variant is a non-conservative amino acid substitution, which is likely to impact secondary protein structure as these residues differ in polarity, charge, size and/or other properties. This substitution occurs at a position that is not conserved. In silico analysis predicts this variant likely does not alter the protein structure/function. We interpret A161T as a variant of uncertain significance.

NM_015681.6(B9D1):c.473-81G>A

Gene: B9D1 (B9 domain containing 1; minus strand). Cytogenetic location: 17p11.2.
Variant type: single nucleotide variant.
Coding change: c.473-81G>A on transcript NM_015681.6 (MANE Select); 81 bases into the intron before coding-DNA position 473, G replaced by A.
Molecular consequence: intron variant. On other transcripts: missense variant (1), 3 prime UTR variant (1).
Genome position (GRCh38, 1-based): chr17:19,343,542, C>T on the plus strand (G>A on the coding strand, the complement: B9D1 is on the minus strand). VCF-style: chr17-19343542-C-T. GRCh37 (hg19) VCF-style: chr17-19246855-C-T.
Other names: c.481G>A, p.Ala161Thr (NM_001321214.2); c.*168G>A (NM_001321215.3); c.112+248G>A (NM_001368769.2); c.404+3727G>A (NM_001321219.2); c.472+248G>A (NM_001321218.2, NM_001321217.2); c.473-47G>A (NM_001330149.2); short protein forms A161T.
Identifiers: ClinVar variation 431856 (VCV000431856.4), dbSNP rs145712777, ClinGen allele CA8440100.